The following is an entry in ClinVar:

ClinVar aggregate classification (germline): Uncertain significance. Review status: criteria provided, multiple submitters, no conflicts (2 of 4 stars). 4 submissions from 4 submitters: Uncertain significance (3). 1 of the submissions does not count toward it. Last evaluated 2022-10-05.

Conditions:
Inborn genetic diseases. Identifiers: MedGen C0950123, MeSH D030342.
Brown-Vialetto-van Laere syndrome 1. Also called: BROWN-VIALETTO-VAN LAERE SYNDROME 1, MILD; BULBAR PALSY, PROGRESSIVE, WITH SENSORINEURAL DEAFNESS; PONTOBULBAR PALSY WITH DEAFNESS. Identifiers: Orphanet 572550, Orphanet 97229, MedGen C0796274, MONDO:0024537, OMIM 211530.

Allele frequency attached by ClinVar (database versions not stated): ExAC 0.00002; gnomAD 0.00002; gnomAD exomes 0.00002; TOPMed 0.00003; ESP Exome Variant Server 0.00008.
gnomAD v4.1: 67 of 1,614,044 alleles (0.0042%); highest among the groups gnomAD compares: Non-Finnish European, 0.0055%; no homozygotes.

Submissions (4):

Ambry Genetics
Classification: Uncertain significance for Inborn genetic diseases. Last evaluated: 2022-10-05. Review status: criteria provided, single submitter. Criteria: Ambry Variant Classification Scheme 2023. Collection method: clinical testing. Allele origin: germline.
Comment: The p.R266W variant (also known as c.796C>T), located in coding exon 2 of the SLC52A3 gene, results from a C to T substitution at nucleotide position 796. The arginine at codon 266 is replaced by tryptophan, an amino acid with dissimilar properties. This alteration has been detected in trans with another SLC52A3 variant in an individual with overlapping features of Brown-Vialetto-Van Laere syndrome 1 (BVVLS1) and Fazio-Londe disease (Ciccolella M et al. Neuromuscul Disord, 2012 Dec;22:1075-82). This amino acid position is not well conserved in available vertebrate species, and tryptophan is the reference amino acid in other vertebrate species. In addition, the in silico prediction for this alteration is inconclusive. Since supporting evidence is limited at this time, the clinical significance of this alteration remains unclear.

Labcorp Genetics (formerly Invitae), Labcorp
Classification: Uncertain significance for Brown-Vialetto-van Laere syndrome 1. Last evaluated: 2022-06-13. Review status: criteria provided, single submitter. Criteria: Invitae Variant Classification Sherloc (09022015). Collection method: clinical testing. Allele origin: germline.
Comment: This sequence change replaces arginine, which is basic and polar, with tryptophan, which is neutral and slightly polar, at codon 266 of the SLC52A3 protein (p.Arg266Trp). This variant is present in population databases (rs370499474, gnomAD 0.004%). This missense change has been observed in individual(s) with Brown-Vialetto-Van Laere syndrome 1 (PMID: 22824638). ClinVar contains an entry for this variant (Variation ID: 210020). Algorithms developed to predict the effect of missense changes on protein structure and function are either unavailable or do not agree on the potential impact of this missense change (SIFT: "Deleterious"; PolyPhen-2: "Possibly Damaging"; Align-GVGD: "Class C0"). In summary, the available evidence is currently insufficient to determine the role of this variant in disease. Therefore, it has been classified as a Variant of Uncertain Significance.

GeneDx
Classification: Uncertain significance. Last evaluated: 2018-07-02. Review status: criteria provided, single submitter. Criteria: GeneDx Variant Classification (06012015). Collection method: clinical testing. Allele origin: germline. Affected: yes.
Comment: The R266W variant in the SLC52A3 gene has been reported previously in association with autosomal recessive Brown-Vialetto-Van Laere syndrome 1 (Ciccolella et al., 2012). has not been reported previously as a pathogenic variant, nor as a benign variant, to our knowledge. This variant is observed in 5/126660 (0.0039%) alleles from individuals of non-Finnish European background in large population cohorts, with no homozygotes identified (Lek et al., 2016). The R266W variant is a non-conservative amino acid substitution, which is likely to impact secondary protein structure as these residues differ in polarity, charge, size and/or other properties. In-silico analyses, including protein predictors and evolutionary conservation, support that this variant does not alter protein structure/function.We interpret R266W as a variant of uncertain significance.

GeneReviews
No classification provided. Condition: Brown-Vialetto-van Laere syndrome 1. Review status: no classification provided. Collection method: literature only. Allele origin: germline. Affected: yes. Not counted in ClinVar's aggregate classification.

Literature cited by the submitters: PubMed 22824638 (cited by 3 submitters); NCBI Bookshelf NBK299312 (cited by GeneReviews).

NM_033409.4(SLC52A3):c.796C>T (p.Arg266Trp)

Gene: SLC52A3 (solute carrier family 52 member 3; minus strand). Cytogenetic location: 20p13.
Variant type: single nucleotide variant.
Coding change: c.796C>T on transcript NM_033409.4 (MANE Select); coding-DNA position 796, C replaced by T.
Protein change: p.Arg266Trp; replaces arginine 266 with tryptophan.
Molecular consequence: missense variant.
Genome position (GRCh38, 1-based): chr20:763,775, G>A on the plus strand (C>T on the coding strand, the complement: SLC52A3 is on the minus strand). VCF-style: chr20-763775-G-A. GRCh37 (hg19) VCF-style: chr20-744419-G-A.
Other names: c.796C>T, p.Arg266Trp (NM_001370085.1, NM_001370086.1); short protein forms R266W.
Identifiers: ClinVar variation 210020 (VCV000210020.10), dbSNP rs370499474, ClinGen allele CA346983.